The following is an entry in ClinVar:

ClinVar aggregate classification (germline): Likely benign (1 of 4 stars; one submission).

Allele frequency attached by ClinVar (database versions not stated): gnomAD exomes 0.00018; 1000 Genomes Project 0.00040.

Submission:

CeGaT Center for Human Genetics Tuebingen
Classification: Likely benign. Last evaluated: 2023-01-01. Review status: criteria provided, single submitter. Criteria: CeGaT Center For Human Genetics Tuebingen Variant Classification Criteria Version 2. Collection method: clinical testing. Allele origin: germline. Affected: yes. Observed: 1 variant allele.
Comment: MUC4: BS2

NM_018406.7(MUC4):c.5941C>A (p.His1981Asn)

Gene: MUC4 (mucin 4, cell surface associated). Cytogenetic location: 3q29.
Variant type: single nucleotide variant.
Coding change: c.5941C>A on transcript NM_018406.7 (MANE Select); coding-DNA position 5941, C replaced by A.
Protein change: p.His1981Asn; replaces histidine 1981 with asparagine.
Molecular consequence: missense variant. On other transcripts: genic upstream transcript variant (2).
Genome position (GRCh38, 1-based): chr3:195,785,639, G>T on the plus strand (C>A on the coding strand, the complement: MUC4 is on the minus strand). VCF-style: chr3-195785639-G-T. GRCh37 (hg19) VCF-style: chr3-195512510-G-T.
Other names: c.8644C>A, p.His2882Asn (NM_001322468.1); c.83-11334C>A (NM_138297.5); c.83-7184C>A (NM_004532.6); short protein forms H1981N, H2882N.
Identifiers: ClinVar variation 2654468 (VCV002654468.24), dbSNP rs552200694, ClinGen allele CA2773382.
Genomic context (GRCh38, chr3:195,785,639, plus strand): 5'-GAGGGGTGGCATGACCTGTGGACACTGAGGAAGCGTCGGTGACAGGAAGAGGGGTGGCGT[G>T]ACCTGTGGACACTGAGGAAGCGTCGGTGACAGGAAGAGAGGTGGCGTGACCTGTGGGTAC-3'
Protein context (NP_060876.5, residues 1971-1991): VTDASSVSTG[His1981Asn]ATPLPVTDAS